The following is an entry in ClinVar:

NM_001375808.2(LPIN2):c.1199C>T (p.Pro400Leu)

Gene: LPIN2 (lipin 2; minus strand). Cytogenetic location: 18p11.31.
Variant type: single nucleotide variant.
Coding change: c.1199C>T on transcript NM_001375808.2 (MANE Select); coding-DNA position 1199, C replaced by T.
Protein change: p.Pro400Leu; replaces proline 400 with leucine.
Molecular consequence: missense variant.
Genome position (GRCh38, 1-based): chr18:2,934,420, G>A on the plus strand (C>T on the coding strand, the complement: LPIN2 is on the minus strand). VCF-style: chr18-2934420-G-A. GRCh37 (hg19) VCF-style: chr18-2934418-G-A.
Other names: c.1199C>T, p.Pro400Leu (NM_001375809.1, NM_014646.2); short protein forms P400L.
Identifiers: ClinVar variation 841005 (VCV000841005.11), dbSNP rs1215786797, ClinGen allele CA401705453.

ClinVar aggregate classification (germline): Uncertain significance. Review status: criteria provided, multiple submitters, no conflicts (2 of 4 stars). 2 submissions from 2 submitters: Uncertain significance (2). Last evaluated 2025-09-26.

Conditions:
Majeed syndrome (MJDS). Also called: LPIN2-Related Majeed Syndrome; CHRONIC RECURRENT MULTIFOCAL OSTEOMYELITIS 1, WITH CONGENITAL DYSERYTHROPOIETIC ANEMIA, WITH OR WITHOUT NEUTROPHILIC DERMATOSIS. Identifiers: Orphanet 77297, MedGen C1864997, MONDO:0012316, OMIM 609628.
Inborn genetic diseases. Identifiers: MedGen C0950123, MeSH D030342.

Allele frequency attached by ClinVar (database versions not stated): gnomAD exomes below 0.00001; TOPMed below 0.00001; gnomAD 0.00001.
gnomAD v4.1: 2 of 1,613,450 alleles (0.00012%); highest among the groups gnomAD compares: Non-Finnish European, 0.00017%; no homozygotes.

Submissions (2):

Ambry Genetics
Classification: Uncertain significance for Inborn genetic diseases. Last evaluated: 2025-09-26. Review status: criteria provided, single submitter. Criteria: Ambry Variant Classification Scheme 2023. Collection method: clinical testing. Allele origin: germline.

Labcorp Genetics (formerly Invitae), Labcorp
Classification: Uncertain significance for Majeed syndrome. Last evaluated: 2019-04-05. Review status: criteria provided, single submitter. Criteria: Invitae Variant Classification Sherloc (09022015). Collection method: clinical testing. Allele origin: germline.
Comment: This variant is not present in population databases (ExAC no frequency). This sequence change replaces proline with leucine at codon 400 of the LPIN2 protein (p.Pro400Leu). The proline residue is highly conserved and there is a moderate physicochemical difference between proline and leucine. This variant has not been reported in the literature in individuals with LPIN2-related conditions. In summary, the available evidence is currently insufficient to determine the role of this variant in disease. Therefore, it has been classified as a Variant of Uncertain Significance. Algorithms developed to predict the effect of missense changes on protein structure and function are either unavailable or do not agree on the potential impact of this missense change (SIFT: "Tolerated"; PolyPhen-2: "Probably Damaging"; Align-GVGD: "Class C0").